The following is an entry in ClinVar:

NM_181523.3(PIK3R1):c.1975T>C (p.Cys659Arg)

Gene: PIK3R1 (phosphoinositide-3-kinase regulatory subunit 1; plus strand). Cytogenetic location: 5q13.1.
Variant type: single nucleotide variant.
Coding change: c.1975T>C on transcript NM_181523.3 (MANE Select); coding-DNA position 1975, T replaced by C.
Protein change: p.Cys659Arg; replaces cysteine 659 with arginine.
Molecular consequence: missense variant.
Genome position (GRCh38, 1-based): chr5:68,296,331, T>C. VCF-style: chr5-68296331-T-C. GRCh37 (hg19) VCF-style: chr5-67592159-T-C.
Other names: c.886T>C, p.Cys296Arg (NM_001242466.2); c.1165T>C, p.Cys389Arg (NM_181504.4); c.1075T>C, p.Cys359Arg (NM_181524.2); short protein forms C296R, C359R, C389R, C659R.
Identifiers: ClinVar variation 3761349 (VCV003761349.2).
Genomic context (GRCh38, chr5:68,296,331, plus strand): 5'-CGAGGGAAGCGAGATGGCACTTTTCTTGTCCGGGAGAGCAGTAAACAGGGCTGCTATGCC[T>C]GCTCTGTAGTGTATGTATCTCCAGCAAACTTTTCTTTACAACATCTCATGAAGAGATGTT-3'
Protein context (NP_852664.1, residues 649-669): RESSKQGCYA[Cys659Arg]SVVVDGEVKH

ClinVar aggregate classification (germline): Uncertain significance (1 of 4 stars; one submission).

Conditions:
Agammaglobulinemia 7, autosomal recessive (AGM7). Also called: AGAMMAGLOBULINEMIA, AUTOSOMAL RECESSIVE, DUE TO PIK3R1 DEFECT. Identifiers: MedGen C3554689, MONDO:0014083, OMIM 615214.
Immunodeficiency 36 with lymphoproliferation. Also called: Immunodeficiency 36; ACTIVATED PI3K-DELTA SYNDROME 2; Activated PI3K Delta Syndrome Type 2 (APDS2). Identifiers: Orphanet 397596, Orphanet 693681, MedGen C4014934, MONDO:0014453, OMIM 616005.
SHORT syndrome. Also called: SHORT STATURE, HYPEREXTENSIBILITY, HERNIA, OCULAR DEPRESSION, RIEGER ANOMALY, AND TEETHING DELAY; LIPODYSTROPHY, PARTIAL, WITH RIEGER ANOMALY AND SHORT STATURE; PIK3R1-Related SHORT Syndrome. Identifiers: Orphanet 3163, MedGen C0878684, MONDO:0010026, OMIM 269880.

Submission:

Labcorp Genetics (formerly Invitae), Labcorp
Classification: Uncertain significance for SHORT syndrome; Immunodeficiency 36 with lymphoproliferation; Agammaglobulinemia 7, autosomal recessive. Last evaluated: 2024-08-29. Review status: criteria provided, single submitter. Criteria: Invitae Variant Classification Sherloc (09022015). Collection method: clinical testing. Allele origin: germline.
Comment: This sequence change replaces cysteine, which is neutral and slightly polar, with arginine, which is basic and polar, at codon 659 of the PIK3R1 protein (p.Cys659Arg). This variant is not present in population databases (gnomAD no frequency). This variant has not been reported in the literature in individuals affected with PIK3R1-related conditions. Invitae Evidence Modeling of protein sequence and biophysical properties (such as structural, functional, and spatial information, amino acid conservation, physicochemical variation, residue mobility, and thermodynamic stability) has been performed for this missense variant. However, the output from this modeling did not meet the statistical confidence thresholds required to predict the impact of this variant on PIK3R1 protein function. In summary, the available evidence is currently insufficient to determine the role of this variant in disease. Therefore, it has been classified as a Variant of Uncertain Significance.